The following is an entry in ClinVar:

NM_006231.4(POLE):c.1516A>G (p.Met506Val)

Gene: POLE (DNA polymerase epsilon, catalytic subunit; minus strand). Cytogenetic location: 12q24.33.
Variant type: single nucleotide variant.
Coding change: c.1516A>G on transcript NM_006231.4 (MANE Select); coding-DNA position 1516, A replaced by G.
Protein change: p.Met506Val; replaces methionine 506 with valine.
Molecular consequence: missense variant.
Genome position (GRCh38, 1-based): chr12:132,672,797, T>C on the plus strand (A>G on the coding strand, the complement: POLE is on the minus strand). VCF-style: chr12-132672797-T-C. GRCh37 (hg19) VCF-style: chr12-133249383-T-C.
Other names: c.1516A>G (NM_006231.2); short protein forms M506V.
Identifiers: ClinVar variation 540735 (VCV000540735.26), dbSNP rs773634913, ClinGen allele CA6893922.
Genomic context (GRCh38, chr12:132,672,797, plus strand): 5'-TATTGAACTCCTGCTCTTGCTTGTTGGGGAAGATGATGTTGGCGTGGAAGGCCTGCACCA[T>C]CAGCAAGGCCTCACACAGAGTGCCAGAGCCCTTCCGCAGCACCTGCAAGAGAAACCAAGG-3'
Protein context (NP_006222.2, residues 496-516): GSGTLCEALL[Met506Val]VQAFHANIIF

ClinVar aggregate classification (germline): Uncertain significance. Review status: criteria provided, multiple submitters, no conflicts (2 of 4 stars). 5 submissions from 5 submitters: Uncertain significance (5). Last evaluated 2025-11-14.

Conditions:
Hereditary cancer-predisposing syndrome. Also called: Neoplastic Syndromes, Hereditary; Hereditary Cancer Syndrome; Hereditary neoplastic syndrome; Tumor predisposition. Identifiers: Orphanet 140162, MedGen C0027672, MeSH D009386, MONDO:0015356.
Facial dysmorphism-immunodeficiency-livedo-short stature syndrome. Also called: Facial dysmorphism, immunodeficiency, livedo, and short stature; FILS syndrome. Identifiers: Orphanet 352712, MedGen C3554576, MONDO:0014058, OMIM 615139.
Colorectal cancer, susceptibility to, 12 (CRCS12). Also called: COLORECTAL CANCER, SUSCEPTIBILITY TO, ON CHROMOSOME 12q24. Identifiers: Orphanet 220460, MedGen C3554460, MONDO:0014038, OMIM 615083.
Intrauterine growth retardation, metaphyseal dysplasia, adrenal hypoplasia congenita, genital anomalies, and immunodeficiency. Also called: IMAGEI SYNDROME. Identifiers: MedGen C5193036, MONDO:0032684, OMIM 618336.
POLE-related disorder. Also called: POLE-related disorders; POLE-related condition.

Allele frequency attached by ClinVar (database versions not stated): gnomAD 0.00001; TOPMed 0.00002.
gnomAD v4.1: 19 of 1,613,984 alleles (0.0012%); highest among the groups gnomAD compares: Non-Finnish European, 0.0015%; no homozygotes.

Submissions (5):

Labcorp Genetics (formerly Invitae), Labcorp
Classification: Uncertain significance. Last evaluated: 2025-11-14. Review status: criteria provided, single submitter. Criteria: Invitae Variant Classification Sherloc (09022015). Collection method: clinical testing. Allele origin: germline.
Comment: This sequence change replaces methionine, which is neutral and non-polar, with valine, which is neutral and non-polar, at codon 506 of the POLE protein (p.Met506Val). This variant is present in population databases (rs773634913, gnomAD 0.0009%). This variant has not been reported in the literature in individuals affected with POLE-related conditions. ClinVar contains an entry for this variant (Variation ID: 540735). Invitae Evidence Modeling of protein sequence and biophysical properties (such as structural, functional, and spatial information, amino acid conservation, physicochemical variation, residue mobility, and thermodynamic stability) indicates that this missense variant is expected to disrupt POLE protein function with a positive predictive value of 80%. In summary, the available evidence is currently insufficient to determine the role of this variant in disease. Therefore, it has been classified as a Variant of Uncertain Significance.

GeneDx
Classification: Uncertain significance. Last evaluated: 2025-08-20. Review status: criteria provided, single submitter. Criteria: GeneDx Variant Classification Process June 2021. Collection method: clinical testing. Allele origin: germline. Affected: yes.
Comment: Not observed at significant frequency in large population cohorts (gnomAD); In silico analysis supports that this missense variant has a deleterious effect on protein structure/function; Has not been previously published as pathogenic or benign to our knowledge

Ambry Genetics
Classification: Uncertain significance for Hereditary cancer-predisposing syndrome. Last evaluated: 2024-12-09. Review status: criteria provided, single submitter. Criteria: Ambry Variant Classification Scheme 2023. Collection method: clinical testing. Allele origin: germline.
Comment: The p.M506V variant (also known as c.1516A>G), located in coding exon 15 of the POLE gene, results from an A to G substitution at nucleotide position 1516. The methionine at codon 506 is replaced by valine, an amino acid with highly similar properties. This amino acid position is highly conserved in available vertebrate species. In addition, this alteration is predicted to be deleterious by in silico analysis. Based on the available evidence, the clinical significance of this variant remains unclear.

Department of Pathology and Laboratory Medicine, Sinai Health System
Classification: Uncertain significance for Colorectal cancer, susceptibility to, 12; Facial dysmorphism-immunodeficiency-livedo-short stature syndrome; Intrauterine growth retardation, metaphyseal dysplasia, adrenal hypoplasia congenita, genital anomalies, and immunodeficiency. Last evaluated: 2024-11-28. Review status: criteria provided, single submitter. Criteria: ACMG Guidelines, 2015. Collection method: clinical testing. Allele origin: germline.

PreventionGenetics, part of Exact Sciences
Classification: Uncertain significance for POLE-related condition. Last evaluated: 2023-08-22. Review status: criteria provided, single submitter. Criteria: ACMG Guidelines, 2015. Collection method: clinical testing. Allele origin: germline.
Comment: The POLE c.1516A>G variant is predicted to result in the amino acid substitution p.Met506Val. To our knowledge, this variant has not been reported in the literature. This variant is reported in 0.00088% of alleles in individuals of European (Non-Finnish) descent in gnomAD and is interpreted as uncertain in ClinVar. At this time, the clinical significance of this variant is uncertain due to the absence of conclusive functional and genetic evidence.